The following is an entry in ClinVar:

NM_015662.3(IFT172):c.3427G>A (p.Glu1143Lys)

Gene: IFT172 (intraflagellar transport 172; minus strand). Cytogenetic location: 2p23.3.
Variant type: single nucleotide variant.
Coding change: c.3427G>A on transcript NM_015662.3 (MANE Select); coding-DNA position 3427, G replaced by A.
Protein change: p.Glu1143Lys; replaces glutamic acid 1143 with lysine.
Molecular consequence: missense variant.
Genome position (GRCh38, 1-based): chr2:27,454,605, C>T on the plus strand (G>A on the coding strand, the complement: IFT172 is on the minus strand). VCF-style: chr2-27454605-C-T. GRCh37 (hg19) VCF-style: chr2-27677472-C-T.
Other names: c.3427G>A (NM_015662.2); c.3361G>A, p.Glu1121Lys (NM_001410739.1); short protein forms E1143K, E1121K.
Identifiers: ClinVar variation 3527903 (VCV003527903.2).

ClinVar aggregate classification (germline): Uncertain significance. Review status: criteria provided, multiple submitters, no conflicts (2 of 4 stars). 2 submissions from 2 submitters: Uncertain significance (2). Last evaluated 2026-01-29.

Conditions:
IFT172-related disorder. Also called: IFT172-related disorders; IFT172-related condition.
Inborn genetic diseases. Identifiers: MedGen C0950123, MeSH D030342.

gnomAD v4.1: 15 of 1,613,944 alleles (0.00093%); highest among the groups gnomAD compares: African/African-American, 0.016%; no homozygotes.

Submissions (2):

PreventionGenetics, part of Exact Sciences
Classification: Uncertain significance for IFT172-related condition. Last evaluated: 2026-01-29. Review status: criteria provided, single submitter. Criteria: ACMG Guidelines, 2015. Collection method: clinical testing. Allele origin: germline.
Comment: The IFT172 c.3427G>A variant is predicted to result in the amino acid substitution p.Glu1143Lys. To our knowledge, this variant has not been reported in the literature. This variant is reported in 0.012% of alleles in individuals of African descent in gnomAD. At this time, the clinical significance of this variant is uncertain due to the absence of conclusive functional and genetic evidence.

Ambry Genetics
Classification: Uncertain significance for Inborn genetic diseases. Last evaluated: 2024-11-12. Review status: criteria provided, single submitter. Criteria: Ambry Variant Classification Scheme 2023. Collection method: clinical testing. Allele origin: germline.